The following is an entry in ClinVar:

ClinVar aggregate classification (germline): Uncertain significance (1 of 4 stars; one submission).

Conditions:
Primary ciliary dyskinesia. Also called: Ciliary dyskinesia. Identifiers: Orphanet 244, MedGen C0008780, MONDO:0016575, HP:0012265.

Allele frequency attached by ClinVar (database versions not stated): gnomAD exomes below 0.00001; TOPMed 0.00002.
gnomAD v4.1: 3 of 1,612,878 alleles (0.00019%); highest among the groups gnomAD compares: Non-Finnish European, 0.00025%; no homozygotes.

Submission:

Labcorp Genetics (formerly Invitae), Labcorp
Classification: Uncertain significance for Primary ciliary dyskinesia. Last evaluated: 2023-12-13. Review status: criteria provided, single submitter. Criteria: Invitae Variant Classification Sherloc (09022015). Collection method: clinical testing. Allele origin: germline.
Comment: This sequence change replaces isoleucine, which is neutral and non-polar, with valine, which is neutral and non-polar, at codon 1346 of the DNAH8 protein (p.Ile1346Val). This variant is present in population databases (no rsID available, gnomAD 0.0009%). This variant has not been reported in the literature in individuals affected with DNAH8-related conditions. Advanced modeling of protein sequence and biophysical properties (such as structural, functional, and spatial information, amino acid conservation, physicochemical variation, residue mobility, and thermodynamic stability) performed at Invitae indicates that this missense variant is not expected to disrupt DNAH8 protein function with a negative predictive value of 80%. In summary, the available evidence is currently insufficient to determine the role of this variant in disease. Therefore, it has been classified as a Variant of Uncertain Significance.

NM_001206927.2(DNAH8):c.4036A>G (p.Ile1346Val)

Gene: DNAH8 (dynein axonemal heavy chain 8; plus strand). Cytogenetic location: 6p21.2.
Variant type: single nucleotide variant.
Coding change: c.4036A>G on transcript NM_001206927.2 (MANE Select); coding-DNA position 4036, A replaced by G.
Protein change: p.Ile1346Val; replaces isoleucine 1346 with valine.
Molecular consequence: missense variant.
Genome position (GRCh38, 1-based): chr6:38,826,344, A>G. VCF-style: chr6-38826344-A-G. GRCh37 (hg19) VCF-style: chr6-38794120-A-G.
Other names: c.3385A>G, p.Ile1129Val (NM_001371.4); short protein forms I1129V, I1346V.
Identifiers: ClinVar variation 2914995 (VCV002914995.3), dbSNP rs1184830557, ClinGen allele CA363995963.